The following is an entry in ClinVar:

ClinVar aggregate classification (germline): Uncertain significance (1 of 4 stars; one submission).

Conditions:
Primary ciliary dyskinesia. Also called: Ciliary dyskinesia. Identifiers: Orphanet 244, MedGen C0008780, MONDO:0016575, HP:0012265.

Allele frequency attached by ClinVar (database versions not stated): gnomAD exomes 0.00001.
gnomAD v4.1: 8 of 1,613,806 alleles (0.0005%); highest among the groups gnomAD compares: Non-Finnish European, 0.00068%; no homozygotes.

Submission:

Labcorp Genetics (formerly Invitae), Labcorp
Classification: Uncertain significance for Primary ciliary dyskinesia. Last evaluated: 2019-04-25. Review status: criteria provided, single submitter. Criteria: Invitae Variant Classification Sherloc (09022015). Collection method: clinical testing. Allele origin: germline.
Comment: This sequence change replaces proline with serine at codon 2649 of the DNAH11 protein (p.Pro2649Ser). The proline residue is highly conserved and there is a moderate physicochemical difference between proline and serine. This variant is not present in population databases (ExAC no frequency). This variant has not been reported in the literature in individuals with DNAH11-related conditions. Algorithms developed to predict the effect of missense changes on protein structure and function (SIFT, PolyPhen-2, Align-GVGD) all suggest that this variant is likely to be disruptive, but these predictions have not been confirmed by published functional studies and their clinical significance is uncertain. In summary, the available evidence is currently insufficient to determine the role of this variant in disease. Therefore, it has been classified as a Variant of Uncertain Significance.

NM_001277115.2(DNAH11):c.7945C>T (p.Pro2649Ser)

Gene: DNAH11 (dynein axonemal heavy chain 11; plus strand). Cytogenetic location: 7p15.3.
Variant type: single nucleotide variant.
Coding change: c.7945C>T on transcript NM_001277115.2 (MANE Select); coding-DNA position 7945, C replaced by T.
Protein change: p.Pro2649Ser; replaces proline 2649 with serine.
Molecular consequence: missense variant.
Genome position (GRCh38, 1-based): chr7:21,741,957, C>T. VCF-style: chr7-21741957-C-T. GRCh37 (hg19) VCF-style: chr7-21781575-C-T.
Other names: short protein forms P2649S.
Identifiers: ClinVar variation 949054 (VCV000949054.10), dbSNP rs1785919163, ClinGen allele CA366951676.